The following is an entry in ClinVar:

ClinVar aggregate classification (germline): Likely pathogenic (1 of 4 stars; one submission).

Conditions:
Short-rib thoracic dysplasia 14 with polydactyly (SRTD14). Identifiers: Orphanet 397715, MedGen C4225286, MONDO:0014688, OMIM 616546.
Joubert syndrome 23 (JBTS23). Identifiers: Orphanet 475, MedGen C4084822, MONDO:0014664, OMIM 616490.

gnomAD v4.1: 3 of 1,612,258 alleles (0.00019%); highest among the groups gnomAD compares: Non-Finnish European, 0.00025%; no homozygotes.

Submission:

Juno Genomics, Hangzhou Juno Genomics, Inc
Classification: Likely pathogenic for Joubert syndrome 23; Short-rib thoracic dysplasia 14 with polydactyly. Review status: criteria provided, single submitter. Criteria: ACMG Guidelines, 2015. Collection method: clinical testing. Allele origin: germline.
Comment: Absent from controls (or at extremely low frequency if recessive) in Genome Aggregation Database.;Null variant in a gene where loss of function (LOF) is a known mechanism of disease.

NM_001329943.3(KIAA0586):c.2428C>T (p.Gln810Ter)

Gene: KIAA0586 (KIAA0586; plus strand). Cytogenetic location: 14q23.1.
Variant type: single nucleotide variant.
Coding change: c.2428C>T on transcript NM_001329943.3 (MANE Select); coding-DNA position 2428, C replaced by T.
Protein change: p.Gln810Ter; replaces glutamine 810 with a stop codon.
Molecular consequence: nonsense.
Genome position (GRCh38, 1-based): chr14:58,467,908, C>T. VCF-style: chr14-58467908-C-T. GRCh37 (hg19) VCF-style: chr14-58934626-C-T.
Other names: c.2200C>T, p.Gln734Ter (NM_014749.5); c.2428C>T, p.Gln810Ter (NM_001329944.2, NM_001329946.2, NM_001329947.2); c.2173C>T, p.Gln725Ter (NM_001329945.2, NM_001364700.1, NM_001364701.2 and 1 more transcripts); c.2587C>T, p.Gln863Ter (NM_001244189.2); c.2383C>T, p.Gln795Ter (NM_001244190.2); c.2296C>T, p.Gln766Ter (NM_001244192.2); c.2008C>T, p.Gln670Ter (NM_001244193.2); short protein forms Q670*, Q725*, Q734*, Q766*, Q795*, Q810*, Q863*.
Identifiers: ClinVar variation 5019036 (VCV005019036.2).